The following is an entry in ClinVar:

ClinVar aggregate classification (germline): Uncertain significance. Review status: criteria provided, multiple submitters, no conflicts (2 of 4 stars). 5 submissions from 5 submitters: Uncertain significance (3). 2 of the submissions do not count toward it. Last evaluated 2025-04-03.

Conditions:
Inborn genetic diseases. Identifiers: MedGen C0950123, MeSH D030342.
DTNBP1-related disorder. Also called: DTNBP1-related condition.
Hermansky-Pudlak syndrome 7 (HPS7). Identifiers: Orphanet 231531, Orphanet 79430, MedGen C3279756, MONDO:0013559, OMIM 614076.

Allele frequency attached by ClinVar (database versions not stated): gnomAD 0.00001; gnomAD exomes 0.00002; ExAC 0.00003.
gnomAD v4.1: 31 of 1,613,934 alleles (0.0019%); highest among the groups gnomAD compares: Non-Finnish European, 0.0024%; no homozygotes.

Submissions (5):

Ambry Genetics
Classification: Uncertain significance for Inborn genetic diseases. Last evaluated: 2025-04-03. Review status: criteria provided, single submitter. Criteria: Ambry Variant Classification Scheme 2023. Collection method: clinical testing. Allele origin: germline.

PreventionGenetics, part of Exact Sciences
Classification: Uncertain significance for DTNBP1-related condition. Last evaluated: 2023-06-09. Review status: criteria provided, single submitter. Criteria: ACMG Guidelines, 2015. Collection method: clinical testing. Allele origin: germline.
Comment: The DTNBP1 c.654T>G variant is predicted to result in the amino acid substitution p.Ile218Met. To our knowledge, this variant has not been reported in the literature. This variant is reported in 0.0044% of alleles in individuals of European (Non-Finnish) descent in gnomAD. At this time, the clinical significance of this variant is uncertain due to the absence of conclusive functional and genetic evidence.

Labcorp Genetics (formerly Invitae), Labcorp
Classification: Uncertain significance. Last evaluated: 2022-07-12. Review status: criteria provided, single submitter. Criteria: Invitae Variant Classification Sherloc (09022015). Collection method: clinical testing. Allele origin: germline.
Comment: This sequence change replaces isoleucine, which is neutral and non-polar, with methionine, which is neutral and non-polar, at codon 218 of the DTNBP1 protein (p.Ile218Met). This variant is present in population databases (rs367543104, gnomAD 0.006%). This variant has not been reported in the literature in individuals affected with DTNBP1-related conditions. ClinVar contains an entry for this variant (Variation ID: 98378). Algorithms developed to predict the effect of missense changes on protein structure and function are either unavailable or do not agree on the potential impact of this missense change (SIFT: "Deleterious"; PolyPhen-2: "Possibly Damaging"; Align-GVGD: "Class C0"). In summary, the available evidence is currently insufficient to determine the role of this variant in disease. Therefore, it has been classified as a Variant of Uncertain Significance.

Zotz-Klimas Genetics Lab, MVZ Zotz Klimas
Classification: Uncertain significance for Hermansky-Pudlak syndrome 7. Last evaluated: 2023-11-24. Review status: no assertion criteria provided. Collection method: clinical testing. Allele origin: germline. Affected: yes. Not counted in ClinVar's aggregate classification.

Psychiatry Genetics Yale University
No classification provided. Review status: no classification provided. Collection method: not provided. Allele origin: not provided. Not counted in ClinVar's aggregate classification.

NM_032122.5(DTNBP1):c.654T>G (p.Ile218Met)

Gene: DTNBP1 (dystrobrevin binding protein 1; minus strand). Cytogenetic location: 6p22.3.
Variant type: single nucleotide variant.
Coding change: c.654T>G on transcript NM_032122.5 (MANE Select); coding-DNA position 654, T replaced by G.
Protein change: p.Ile218Met; replaces isoleucine 218 with methionine.
Molecular consequence: missense variant. On other transcripts: non-coding transcript variant (1).
Genome position (GRCh38, 1-based): chr6:15,533,253, A>C on the plus strand (T>G on the coding strand, the complement: DTNBP1 is on the minus strand). VCF-style: chr6-15533253-A-C. GRCh37 (hg19) VCF-style: chr6-15533484-A-C.
Other names: c.411T>G, p.Ile137Met (NM_001271667.2); c.603T>G, p.Ile201Met (NM_001271668.2); c.549T>G, p.Ile183Met (NM_001271669.2); c.654T>G, p.Ile218Met (NM_183040.2); c.654T>G (NM_032122.4); short protein forms I218M, I201M, I183M, I137M.
Identifiers: ClinVar variation 98378 (VCV000098378.6), dbSNP rs367543104, ClinGen allele CA225619.
Genomic context (GRCh38, chr6:15,533,253, plus strand): 5'-CGCACAGCCGGTGAGTCCCCACACCAGCAGCCCCAGCCCCCACTCGCCTCGCCGCTCTGC[A>C]ATCTGCAGGTAGCCAGTGGACAGGTACTGCTCCATGTCCTGCTGGAAGGCTTCCTCAAAA-3'
Protein context (NP_115498.2, residues 208-228): EQYLSTGYLQ[Ile218Met]AERREPIGSM